The following is an entry in ClinVar:

ClinVar aggregate classification (germline): Likely benign. Review status: criteria provided, multiple submitters, no conflicts (2 of 4 stars). 4 submissions from 4 submitters: Likely benign (4). Last evaluated 2025-08-01.

Conditions:
Frasier syndrome. Identifiers: Orphanet 347, MedGen C0950122, MeSH D052159, MONDO:0007635, OMIM 136680.
Drash syndrome (DDS). Also called: NEPHROPATHY, WILMS TUMOR, AND GENITAL ANOMALIES; WILMS TUMOR AND PSEUDO- OR TRUE HERMAPHRODITISM. Identifiers: Orphanet 220, MedGen C0950121, MONDO:0008682, OMIM 194080.
Wilms tumor 1 (WT1). Also called: Wilms tumor, somatic. Identifiers: Orphanet 654, MedGen CN033288, MONDO:0008679, OMIM 194070.
11p partial monosomy syndrome (WAGR). Also called: WAGR syndrome; WAGR Complex; WAGR Spectrum Disorder; CHROMOSOME 11p13 DELETION SYNDROME. Identifiers: Orphanet 893, MedGen C0206115, MONDO:0008681, OMIM 194072.
Inborn genetic diseases. Identifiers: MedGen C0950123, MeSH D030342.

Allele frequency attached by ClinVar (database versions not stated): gnomAD exomes below 0.00001; gnomAD 0.00001; TOPMed 0.00001.
gnomAD v4.1: 9 of 1,612,544 alleles (0.00056%); highest among the groups gnomAD compares: Middle Eastern, 0.016%; no homozygotes.

Submissions (4):

CeGaT Center for Human Genetics Tuebingen
Classification: Likely benign. Last evaluated: 2025-08-01. Review status: criteria provided, single submitter. Criteria: CeGaT Center For Human Genetics Tuebingen Variant Classification Criteria Version 2. Collection method: clinical testing. Allele origin: germline. Affected: yes. Observed: 1 variant allele.
Comment: WT1: BP4, BP7

Ambry Genetics
Classification: Likely benign for Inborn genetic diseases. Last evaluated: 2024-11-23. Review status: criteria provided, single submitter. Criteria: Ambry Variant Classification Scheme 2023. Collection method: clinical testing. Allele origin: germline.

Labcorp Genetics (formerly Invitae), Labcorp
Classification: Likely benign for Wilms tumor 1; Drash syndrome; 11p partial monosomy syndrome; Frasier syndrome. Last evaluated: 2024-08-03. Review status: criteria provided, single submitter. Criteria: Invitae Variant Classification Sherloc (09022015). Collection method: clinical testing. Allele origin: germline.

All of Us Research Program, National Institutes of Health
Classification: Likely benign for Wilms tumor 1. Last evaluated: 2023-06-26. Review status: criteria provided, single submitter. Criteria: ACMG Guidelines, 2015. Collection method: clinical testing. Allele origin: germline. Inheritance: Autosomal dominant inheritance. Observed: 2 variant alleles, 2 heterozygotes.
Comment: This study involves interpretation of variants in research participants for the purpose of population health screening. Participant phenotype was not available at the time of variant classification. Additional details can be found in publication PMID: 35346344, PMCID: PMC8962531

NM_024426.6(WT1):c.585C>T (p.Ser195=)

Genes: WT1 (WT1 transcription factor; minus strand), LOC107982234 (WT1/WT1-AS bi-directional promoter region; plus strand). Cytogenetic location: 11p13.
Variant type: single nucleotide variant.
Coding change: c.585C>T on transcript NM_024426.6 (MANE Select); coding-DNA position 585, C replaced by T.
Protein change: p.Ser195=; no amino-acid change (serine 195 retained).
Molecular consequence: synonymous variant. On other transcripts: non-coding transcript variant (1).
Genome position (GRCh38, 1-based): chr11:32,434,776, G>A on the plus strand (C>T on the coding strand, the complement: WT1 is on the minus strand). VCF-style: chr11-32434776-G-A. GRCh37 (hg19) VCF-style: chr11-32456322-G-A.
Other names: c.585C>T, p.Ser195= (NM_000378.6, NM_024424.5).
Identifiers: ClinVar variation 543154 (VCV000543154.21), dbSNP rs1332888095, ClinGen allele CA473571347.
Genomic context (GRCh38, chr11:32,434,776, plus strand): 5'-GGGCTGGCTCTCGAGGCAGCTGGGCAGGTAGGGCGCGTTAGGAAACATCCTGGCCTGGCC[G>A]GATGACGCCTGGCTGGGCGGAGGAGGACCGAAGGGCCCGTAGCGACAGGCTCCGGCTGTG-3'
Protein context (NP_077744.4, residues 185-205): FGPPPPSQAS[Ser195=]GQARMFPNAP